The following is an entry in ClinVar:

ClinVar aggregate classification (germline): Uncertain significance. Review status: criteria provided, multiple submitters, no conflicts (2 of 4 stars). 3 submissions from 3 submitters: Uncertain significance (2). 1 of the submissions does not count toward it. Last evaluated 2024-03-28.

Conditions:
WDPCP-related disorder. Also called: WDPCP-related condition.
Bardet-Biedl syndrome (BBS). Identifiers: Orphanet 110, MedGen C0752166, MONDO:0015229.

Allele frequency attached by ClinVar (database versions not stated): gnomAD exomes 0.00002 and 0.00003; ExAC 0.00003.
gnomAD v4.1: 27 of 1,613,272 alleles (0.0017%); highest among the groups gnomAD compares: South Asian, 0.021%; no homozygotes.

Submissions (3):

Blueprint Genetics
Classification: Uncertain significance. Last evaluated: 2024-03-28. Review status: criteria provided, single submitter. Criteria: ACMG Guidelines, 2015. Collection method: clinical testing. Allele origin: germline.

Labcorp Genetics (formerly Invitae), Labcorp
Classification: Uncertain significance for Bardet-Biedl syndrome. Last evaluated: 2021-08-20. Review status: criteria provided, single submitter. Criteria: Invitae Variant Classification Sherloc (09022015). Collection method: clinical testing. Allele origin: germline.
Comment: In summary, the available evidence is currently insufficient to determine the role of this variant in disease. Therefore, it has been classified as a Variant of Uncertain Significance. Algorithms developed to predict the effect of missense changes on protein structure and function are either unavailable or do not agree on the potential impact of this missense change (SIFT: "Tolerated"; PolyPhen-2: "Probably Damaging"; Align-GVGD: "Class C0"). This variant has not been reported in the literature in individuals affected with WDPCP-related conditions. This variant is present in population databases (rs780789710, ExAC 0.02%). This sequence change replaces valine with alanine at codon 137 of the WDPCP protein (p.Val137Ala). The valine residue is highly conserved and there is a small physicochemical difference between valine and alanine.

PreventionGenetics, part of Exact Sciences
Classification: Uncertain significance for WDPCP-related condition. Last evaluated: 2024-05-22. Review status: no assertion criteria provided. Collection method: clinical testing. Allele origin: germline. Not counted in ClinVar's aggregate classification.
Comment: The WDPCP c.410T>C variant is predicted to result in the amino acid substitution p.Val137Ala. To our knowledge, this variant has not been reported in the literature. This variant is reported in 0.026% of alleles in individuals of South Asian descent in gnomAD. At this time, the clinical significance of this variant is uncertain due to the absence of conclusive functional and genetic evidence.

NM_015910.7(WDPCP):c.410T>C (p.Val137Ala)

Gene: WDPCP (WD repeat containing planar cell polarity effector; minus strand). Cytogenetic location: 2p15.
Variant type: single nucleotide variant.
Coding change: c.410T>C on transcript NM_015910.7 (MANE Select); coding-DNA position 410, T replaced by C.
Protein change: p.Val137Ala; replaces valine 137 with alanine.
Molecular consequence: missense variant. On other transcripts: non-coding transcript variant (2).
Genome position (GRCh38, 1-based): chr2:63,439,846, A>G on the plus strand (T>C on the coding strand, the complement: WDPCP is on the minus strand). VCF-style: chr2-63439846-A-G. GRCh37 (hg19) VCF-style: chr2-63666980-A-G.
Other names: c.410T>C (NM_015910.5); c.338T>C, p.Val113Ala (NM_001354044.2); c.410T>C, p.Val137Ala (NM_001354045.2); short protein forms V137A, V113A.
Identifiers: ClinVar variation 1470691 (VCV001470691.8), dbSNP rs780789710, ClinGen allele CA1682474.